The following is an entry in ClinVar:

ClinVar aggregate classification (germline): Likely benign (0 of 4 stars; one submission).

Conditions:
EPHA2-related disorder. Also called: EPHA2-related condition.

Submission:

PreventionGenetics, part of Exact Sciences
Classification: Likely benign for EPHA2-related condition. Last evaluated: 2022-09-29. Review status: no assertion criteria provided. Collection method: clinical testing. Allele origin: germline.
Comment: This variant is classified as likely benign based on ACMG/AMP sequence variant interpretation guidelines (Richards et al. 2015 PMID: 25741868, with internal and published modifications).

NM_004431.5(EPHA2):c.411C>G (p.Arg137=)

Gene: EPHA2 (EPH receptor A2; minus strand). Cytogenetic location: 1p36.13.
Variant type: single nucleotide variant.
Coding change: c.411C>G on transcript NM_004431.5 (MANE Select); coding-DNA position 411, C replaced by G.
Protein change: p.Arg137=; no amino-acid change (arginine 137 retained).
Molecular consequence: synonymous variant.
Genome position (GRCh38, 1-based): chr1:16,148,790, G>C on the plus strand (C>G on the coding strand, the complement: EPHA2 is on the minus strand). VCF-style: chr1-16148790-G-C. GRCh37 (hg19) VCF-style: chr1-16475285-G-C.
Other names: c.249C>G, p.Arg83= (NM_001329090.2).
Identifiers: ClinVar variation 3048616 (VCV003048616.2), dbSNP rs150425443, ClinGen allele CA416386206.